The following is an entry in ClinVar:

ClinVar aggregate classification (germline): Pathogenic/Likely pathogenic. Review status: criteria provided, multiple submitters, no conflicts (2 of 4 stars). 19 submissions from 18 submitters: Pathogenic (14); Likely pathogenic (2). 3 of the submissions do not count toward it. Last evaluated 2026-01-11.

Conditions:
Inherited ovarian cancer (without breast cancer).
Inherited breast cancer and ovarian cancer.
Familial ovarian cancer. Identifiers: MedGen C5679802, MONDO:0016248.
Hereditary cancer-predisposing syndrome. Also called: Tumor predisposition; Hereditary Cancer Syndrome; Hereditary neoplastic syndrome; Neoplastic Syndromes, Hereditary. Identifiers: Orphanet 140162, MedGen C0027672, MeSH D009386, MONDO:0015356.
Breast-ovarian cancer, familial, susceptibility to, 4. Identifiers: Orphanet 145, MedGen C3280345, MONDO:0013669, OMIM 614291.
Hereditary breast ovarian cancer syndrome. Also called: Breast and ovarian cancer; Hereditary breast and ovarian cancer; Hereditary breast and/or ovarian cancer syndrome; BRCA1- and BRCA2-Associated Hereditary Breast and Ovarian Cancer; Hereditary breast and ovarian cancer syndrome (HBOC); Hereditary breast and ovarian cancer syndrome. Identifiers: Orphanet 145, MedGen C0677776, MeSH D061325, MONDO:0003582. Disease mechanism: loss of function.

Allele frequency attached by ClinVar (database versions not stated): ExAC 0.00001; gnomAD exomes 0.00002.

Submissions 1 to 13 of 19:

Genetics Laboratory, Great Ormond Street Hospital NHS Foundation Trust, North Thames Genomic Laboratory Hub
Classification: Pathogenic for Inherited breast cancer and ovarian cancer. Last evaluated: 2026-01-11. Review status: criteria provided, single submitter. Criteria: CanVIG RAD51CD Gene Specific V1.2. Collection method: clinical testing. Allele origin: germline. Affected: yes.
Comment: PS4_supporting, PVS1_very-strong, PM5_supporting

Genetics Laboratory, Great Ormond Street Hospital NHS Foundation Trust, North Thames Genomic Laboratory Hub
Classification: Pathogenic for Inherited ovarian cancer (without breast cancer). Last evaluated: 2026-01-11. Review status: criteria provided, single submitter. Criteria: CanVIG RAD51CD Gene Specific V1.2. Collection method: clinical testing. Allele origin: germline. Affected: yes.
Comment: the same text as in the submission from Genetics Laboratory, Great Ormond Street Hospital NHS Foundation Trust, North Thames Genomic Laboratory Hub above.

Women's Health and Genetics/Laboratory Corporation of America, LabCorp
Classification: Pathogenic for Hereditary breast ovarian cancer syndrome. Last evaluated: 2025-12-04. Review status: criteria provided, single submitter. Criteria: LabCorp Variant Classification Summary - May 2015. Collection method: clinical testing. Allele origin: germline.
Comment: Variant summary: RAD51D c.363delA (p.Ala122GlnfsX14) results in a premature termination codon, predicted to cause a truncation of the encoded protein or absence of the protein due to nonsense mediated decay, which are commonly known mechanisms for disease. The variant allele was found at a frequency of 1.6e-05 in 251416 control chromosomes. c.363delA has been observed in at least one individual affected with Hereditary Breast And Ovarian Cancer Syndrome (Loveday_2011). These data indicate that the variant is very likely to be associated with disease. To our knowledge, no experimental evidence demonstrating an impact on protein function has been reported. The following publication have been ascertained in the context of this evaluation (PMID: 21822267). ClinVar contains an entry for this variant (Variation ID: 182840). Based on the evidence outlined above, the variant was classified as pathogenic.

Labcorp Genetics (formerly Invitae), Labcorp
Classification: Pathogenic for Breast-ovarian cancer, familial, susceptibility to, 4. Last evaluated: 2025-11-05. Review status: criteria provided, single submitter. Criteria: Invitae Variant Classification Sherloc (09022015). Collection method: clinical testing. Allele origin: germline.
Comment: This sequence change creates a premature translational stop signal (p.Ala122Glnfs*14) in the RAD51D gene. It is expected to result in an absent or disrupted protein product. Loss-of-function variants in RAD51D are known to be pathogenic (PMID: 21822267). This variant is present in population databases (rs730881935, gnomAD 0.01%). This premature translational stop signal has been observed in individual(s) with early onset breast cancer (PMID: 21822267). ClinVar contains an entry for this variant (Variation ID: 182840). For these reasons, this variant has been classified as Pathogenic.

Molecular Pathology, Peter Maccallum Cancer Centre
Classification: Pathogenic for Familial ovarian cancer. Last evaluated: 2025-05-02. Review status: criteria provided, single submitter. Criteria: ACMG Guidelines, 2015. Collection method: clinical testing. Allele origin: germline. Inheritance: Autosomal dominant inheritance.

Ambry Genetics
Classification: Pathogenic for Hereditary cancer-predisposing syndrome. Last evaluated: 2025-04-04. Review status: criteria provided, single submitter. Criteria: Ambry Variant Classification Scheme 2023. Collection method: clinical testing. Allele origin: germline.
Comment: The c.363delA pathogenic mutation, located in coding exon 5 of the RAD51D gene, results from a deletion of one nucleotide at nucleotide position 363, causing a translational frameshift with a predicted alternate stop codon (p.A122Qfs*14). This mutation has been reported in multiple individuals with a personal and/or family history of breast and/or ovarian cancer (Loveday C et al. Nat. Genet. 2011 Aug;43:879-82; Susswein LR et al. Genet Med, 2016 08;18:823-32; Yang X et al. J Natl Cancer Inst, 2020 12;112:1242-1250; Lerner-Ellis J et al. J Cancer Res Clin Oncol, 2021 Mar;147:871-879). In addition to the clinical data presented in the literature, this alteration is expected to result in loss of function by premature protein truncation or nonsense-mediated mRNA decay. As such, this alteration is interpreted as a disease-causing mutation.

Genomics and Molecular Medicine Service, East Genomic Laboratory Hub, NHS Genomic Medicine Service
Classification: Likely pathogenic for Inherited ovarian cancer (without breast cancer). Last evaluated: 2024-11-06. Review status: criteria provided, single submitter. Criteria: ACGS Best Practice Guidelines for Variant Classification in Rare Disease 2020. Collection method: clinical testing. Allele origin: germline. Affected: yes.
Comment: PVS1,PM5_Supporting

Color Diagnostics, LLC DBA Color Health
Classification: Pathogenic for Hereditary cancer-predisposing syndrome. Last evaluated: 2024-07-09. Review status: criteria provided, single submitter. Criteria: ACMG Guidelines, 2015. Collection method: clinical testing. Allele origin: germline.
Comment: This variant deletes 1 nucleotide in exon 5 of the RAD51D gene, creating a frameshift and premature translation stop signal. This variant is expected to result in an absent or non-functional protein product. This variant has been reported in individuals affected with breast and/or ovarian cancer (PMID: 21822267, 26681312, 29470806, 32885271). This variant has been identified in 4/251416 chromosomes in the general population by the Genome Aggregation Database (gnomAD). Loss of RAD51D function is a known mechanism of disease. Based on the available evidence, this variant is classified as Pathogenic.

Baylor Genetics
Classification: Pathogenic for Breast-ovarian cancer, familial, susceptibility to, 4. Last evaluated: 2024-01-22. Review status: criteria provided, single submitter. Criteria: ACMG Guidelines, 2015. Collection method: clinical testing. Allele origin: unknown.

Myriad Genetics, Inc.
Classification: Pathogenic for Breast-ovarian cancer, familial, susceptibility to, 4. Last evaluated: 2023-04-06. Review status: criteria provided, single submitter. Criteria: Myriad Autosomal Dominant, Autosomal Recessive and X-Linked Classification Criteria (2023). Collection method: clinical testing. Allele origin: unknown.
Comment: This variant is considered pathogenic. This variant creates a frameshift predicted to result in premature protein truncation.

Sema4
Classification: Pathogenic for Hereditary cancer-predisposing syndrome. Last evaluated: 2022-02-07. Review status: criteria provided, single submitter. Criteria: Sema4 Curation Guidelines. Collection method: curation. Allele origin: germline.
Comment: The RAD51D c.363delA (p.A122QfsX14) variant has been reported in heterozygosity in multiple individuals with breast and/or ovarian cancer (PMID: 21822267, 26681312, 28888541, 29470806, 32107557, 32885271, among others). This variant causes a frameshift at amino acid 122 that results in premature termination 14 amino acids downstream. At this location, nonsense-mediated decay is predicted to occur, resulting in a loss of gene function. Loss of function variants in RAD51D are known to be pathogenic (PMID: 32107557). This variant was observed in 4/30616 chromosomes in the South Asian population according to the Genome Aggregation Database (PMID: 32461654), and has been reported in ClinVar (Variation ID: 182840). Based on the current evidence available, this variant is interpreted as pathogenic.

Revvity Omics, Revvity
Classification: Likely pathogenic. Last evaluated: 2021-05-07. Review status: criteria provided, single submitter. Criteria: ACMG Guidelines, 2015. Collection method: clinical testing. Allele origin: germline.

Quest Diagnostics Nichols Institute San Juan Capistrano
Classification: Pathogenic. Last evaluated: 2018-10-11. Review status: criteria provided, single submitter. Criteria: Quest Diagnostics criteria. Collection method: clinical testing. Allele origin: germline.
Comment: The variant results in a shift of the reading frame, and is therefore predicted to significantly disrupt the protein structure. Found in at least one symptomatic patient, and found in general population data that is consistent with pathogenicity.

NM_002878.4(RAD51D):c.363del (p.Ala122fs)

Genes: RAD51D (RAD51 paralog D; minus strand), RAD51L3-RFFL (RAD51L3-RFFL readthrough; minus strand). Cytogenetic location: 17q12.
Variant type: Deletion.
Coding change: c.363del on transcript NM_002878.4 (MANE Select); coding-DNA position 363, one base deleted (A; older notation c.363delA).
Protein change: p.Ala122fs; shifts the reading frame from alanine 122.
Molecular consequence: frameshift variant. On other transcripts: non-coding transcript variant (1), intron variant (1).
Genome position (GRCh38, 1-based): chr17:35,107,105, T deleted on the plus strand (A on the coding strand, the reverse complement: RAD51D is on the minus strand). VCF-style (leftmost placement, unchanged base first): chr17-35107104-CT-C. GRCh37 (hg19) VCF-style: chr17-33434123-CT-C.
Other names: c.423del, p.Ala142fs (NM_001142571.2); c.145-624del (NM_133629.3); c.363delA (NM_002878.4, NM_002878.3); short protein forms A122fs, A142fs.
Identifiers: ClinVar variation 182840 (VCV000182840.36), dbSNP rs730881935, ClinGen allele CA299897.